The following is an entry in ClinVar:

NM_002661.5(PLCG2):c.428A>G (p.Glu143Gly)

Gene: PLCG2 (phospholipase C gamma 2; plus strand). Cytogenetic location: 16q23.3.
Variant type: single nucleotide variant.
Coding change: c.428A>G on transcript NM_002661.5 (MANE Select); coding-DNA position 428, A replaced by G.
Protein change: p.Glu143Gly; replaces glutamic acid 143 with glycine.
Molecular consequence: missense variant.
Genome position (GRCh38, 1-based): chr16:81,858,353, A>G. VCF-style: chr16-81858353-A-G. GRCh37 (hg19) VCF-style: chr16-81891958-A-G.
Other names: c.428A>G, p.Glu143Gly (NM_001425749.1, NM_001425750.1, NM_001425751.1); short protein forms E143G.
Identifiers: ClinVar variation 3632556 (VCV003632556.2).

ClinVar aggregate classification (germline): Uncertain significance (1 of 4 stars; one submission).

Conditions:
Familial cold autoinflammatory syndrome 3 (FCAS3). Also called: FAMILIAL ATYPICAL COLD URTICARIA; ANTIBODY DEFICIENCY AND IMMUNE DYSREGULATION, PLCG2-ASSOCIATED. Identifiers: Orphanet 300359, MedGen C3280914, MONDO:0013766, OMIM 614468.

gnomAD v4.1: 2 of 1,611,678 alleles (0.00012%); highest among the groups gnomAD compares: Non-Finnish European, 0.00017%; no homozygotes.

Submission:

Labcorp Genetics (formerly Invitae), Labcorp
Classification: Uncertain significance for Familial cold autoinflammatory syndrome 3. Last evaluated: 2024-09-14. Review status: criteria provided, single submitter. Criteria: Invitae Variant Classification Sherloc (09022015). Collection method: clinical testing. Allele origin: germline.
Comment: This sequence change replaces glutamic acid, which is acidic and polar, with glycine, which is neutral and non-polar, at codon 143 of the PLCG2 protein (p.Glu143Gly). This variant is present in population databases (rs773783811, gnomAD 0.0009%). This variant has not been reported in the literature in individuals affected with PLCG2-related conditions. An algorithm developed to predict the effect of missense changes on protein structure and function (PolyPhen-2) suggests that this variant is likely to be disruptive. In summary, the available evidence is currently insufficient to determine the role of this variant in disease. Therefore, it has been classified as a Variant of Uncertain Significance.